The following is an entry in ClinVar:

NM_000263.4(NAGLU):c.383+5C>G

Gene: NAGLU (N-acetyl-alpha-glucosaminidase; plus strand). Cytogenetic location: 17q21.2.
Variant type: single nucleotide variant.
Coding change: c.383+5C>G on transcript NM_000263.4 (MANE Select); 5 bases into the intron after coding-DNA position 383, C replaced by G.
Molecular consequence: intron variant.
Genome position (GRCh38, 1-based): chr17:42,536,660, C>G. VCF-style: chr17-42536660-C-G. GRCh37 (hg19) VCF-style: chr17-40688678-C-G.
Identifiers: ClinVar variation 1420700 (VCV001420700.7), dbSNP rs762932040, ClinGen allele CA626218518.
Genomic context (GRCh38, chr17:42,536,660, plus strand): 5'-CTGCCGCGGCCACTGCCAGCCGTGCCGGGGGAGCTGACCGAGGCCACGCCCAACAGGTAC[C>G]GCCCCGAAGCTTCCCCGCGTCCGCCCGAGGCGCTTACCCCCTCCCGGAGCCGCTGCCACC-3'

ClinVar aggregate classification (germline): Conflicting classifications of pathogenicity. Review status: criteria provided, conflicting classifications (1 of 4 stars). 3 submissions from 3 submitters: Uncertain significance (2); Likely benign (1). Last evaluated 2025-06-11.

Conditions:
Mucopolysaccharidosis, MPS-III-B (MPS3B). Also called: N-ACETYL-ALPHA-D-GLUCOSAMINIDASE DEFICIENCY; NAGLU DEFICIENCY; SANFILIPPO SYNDROME B; MPS III B; MPS IIIB (Sanfilippo Syndrome Type B); MUCOPOLYSACCHARIDOSIS, TYPE IIIB. Identifiers: Orphanet 79270, MedGen C0086648, MONDO:0009656, OMIM 252920.
Charcot-Marie-Tooth disease axonal type 2V. Also called: CHARCOT-MARIE-TOOTH NEUROPATHY, TYPE 2V; CHARCOT-MARIE-TOOTH DISEASE, AXONAL, AUTOSOMAL DOMINANT, TYPE 2V. Identifiers: Orphanet 447964, MedGen C5569050, MONDO:0014665, OMIM 616491.

Allele frequency attached by ClinVar (database versions not stated): TOPMed 0.00006; gnomAD 0.00001.

Submissions (3):

Women's Health and Genetics/Laboratory Corporation of America, LabCorp
Classification: Uncertain significance. Last evaluated: 2025-06-11. Review status: criteria provided, single submitter. Criteria: LabCorp Variant Classification Summary - May 2015. Collection method: clinical testing. Allele origin: germline.
Comment: Variant summary: NAGLU c.383+5C>G alters a nucleotide located close to a canonical splice site and therefore could affect mRNA splicing, leading to a significantly altered protein sequence. Consensus agreement among computation tools predict no significant impact on normal splicing. However, these predictions have yet to be confirmed by functional studies. The variant allele was found at a frequency of 0.00011 in 94546 control chromosomes. This frequency is not significantly higher than estimated for a pathogenic variant in NAGLU causing Mucopolysaccharidosis Type IIIB (Sanfilippo Syndrome B) (0.00011 vs 0.0025), allowing no conclusion about variant significance. To our knowledge, no occurrence of c.383+5C>G in individuals affected with Mucopolysaccharidosis Type IIIB (Sanfilippo Syndrome B) and no experimental evidence demonstrating its impact on protein function have been reported. ClinVar contains an entry for this variant (Variation ID: 1420700). Based on the evidence outlined above, the variant was classified as uncertain significance.

Labcorp Genetics (formerly Invitae), Labcorp
Classification: Uncertain significance for Charcot-Marie-Tooth disease axonal type 2V; Mucopolysaccharidosis, MPS-III-B. Last evaluated: 2024-12-09. Review status: criteria provided, single submitter. Criteria: Invitae Variant Classification Sherloc (09022015). Collection method: clinical testing. Allele origin: germline.
Comment: This sequence change falls in intron 1 of the NAGLU gene. It does not directly change the encoded amino acid sequence of the NAGLU protein. It affects a nucleotide within the consensus splice site. This variant is present in population databases (no rsID available, gnomAD 0.06%). This variant has not been reported in the literature in individuals affected with NAGLU-related conditions. ClinVar contains an entry for this variant (Variation ID: 1420700). Variants that disrupt the consensus splice site are a relatively common cause of aberrant splicing (PMID: 17576681, 9536098). Algorithms developed to predict the effect of sequence changes on RNA splicing suggest that this variant is not likely to affect RNA splicing. In summary, the available evidence is currently insufficient to determine the role of this variant in disease. Therefore, it has been classified as a Variant of Uncertain Significance.

Blueprint Genetics
Classification: Likely benign. Last evaluated: 2022-04-04. Review status: criteria provided, single submitter. Criteria: ACMG Guidelines, 2015. Collection method: clinical testing. Allele origin: germline.

Literature cited by the submitters: PubMed 17576681 (cited by Labcorp Genetics (formerly Invitae), Labcorp); PubMed 9536098 (cited by Labcorp Genetics (formerly Invitae), Labcorp).